The following is an entry in ClinVar:

ClinVar aggregate classification (germline): Uncertain significance (1 of 4 stars; one submission).

gnomAD v4.1: 1 of 1,613,634 alleles (0.000062%); highest among the groups gnomAD compares: South Asian, 0.0011%; no homozygotes.

Submission:

Women's Health and Genetics/Laboratory Corporation of America, LabCorp
Classification: Uncertain significance. Last evaluated: 2026-02-23. Review status: criteria provided, single submitter. Criteria: LabCorp Variant Classification Summary - May 2015. Collection method: clinical testing. Allele origin: germline.
Comment: Variant summary: ATP7B c.4054C>T (p.Pro1352Ser) results in a non-conservative amino acid change in the encoded protein sequence. Algorithms developed to predict the effect of missense changes on protein structure and function all suggest that this variant is likely to be disruptive. The variant allele was found at a frequency of 4.1e-06 in 245876 control chromosomes. The available data on variant occurrences in the general population are insufficient to allow any conclusion about variant significance. c.4054C>T has been observed in at least one individual affected with Wilson Disease (Todorov_2005). The report does not provide unequivocal conclusions about association of the variant with Wilson Disease. To our knowledge, no experimental evidence demonstrating an impact on protein function has been reported. The following publications have been ascertained in the context of this evaluation (PMID: 22692182, 16207219). No submitters have cited clinical-significance assessments for this variant to ClinVar. Based on the evidence outlined above, the variant was classified as uncertain significance.

Literature cited by the submitters: PubMed 22692182; PubMed 16207219.

NM_000053.4(ATP7B):c.4054C>T (p.Pro1352Ser)

Gene: ATP7B (ATPase copper transporting beta; minus strand). Cytogenetic location: 13q14.3.
Variant type: single nucleotide variant.
Coding change: c.4054C>T on transcript NM_000053.4 (MANE Select); coding-DNA position 4054, C replaced by T.
Protein change: p.Pro1352Ser; replaces proline 1352 with serine.
Molecular consequence: missense variant.
Genome position (GRCh38, 1-based): chr13:51,935,663, G>A on the plus strand (C>T on the coding strand, the complement: ATP7B is on the minus strand). VCF-style: chr13-51935663-G-A. GRCh37 (hg19) VCF-style: chr13-52509799-G-A.
Other names: c.3877C>T, p.Pro1293Ser (NM_001406524.1); c.3859C>T, p.Pro1287Ser (NM_001406525.1); c.3850C>T, p.Pro1284Ser (NM_001406526.1); c.3820C>T, p.Pro1274Ser (NM_001406527.1, NM_001406528.1, NM_001330578.2); c.3814C>T, p.Pro1272Ser (NM_001406530.1); c.3802C>T, p.Pro1268Ser (NM_001406531.1, NM_001406532.1, NM_001330579.2); c.3766C>T, p.Pro1256Ser (NM_001406534.1); c.3724C>T, p.Pro1242Ser (NM_001406535.1, NM_001406536.1); and 21 more; short protein forms P1071S, P1125S, P1136S, P1145S, P1158S, P1188S, P1190S, P1203S.
Identifiers: ClinVar variation 4848162 (VCV004848162.1).